The following is an entry in ClinVar:

ClinVar aggregate classification (germline): Uncertain significance (1 of 4 stars; one submission).

Allele frequency attached by ClinVar (database versions not stated): gnomAD exomes below 0.00001.
gnomAD v4.1: 2 of 1,613,994 alleles (0.00012%); highest among the groups gnomAD compares: Non-Finnish European, 0.00017%; no homozygotes.

Submission:

Ambry Genetics
Classification: Uncertain significance. Last evaluated: 2025-04-05. Review status: criteria provided, single submitter. Criteria: Ambry Variant Classification Scheme 2023. Collection method: clinical testing. Allele origin: germline.
Comment: The p.V1144A variant (also known as c.3431T>C), located in coding exon 30 of the KIF1B gene, results from a T to C substitution at nucleotide position 3431. The valine at codon 1144 is replaced by alanine, an amino acid with similar properties. This amino acid position is conserved. In addition, this alteration is predicted to be deleterious by in silico analysis. Since supporting evidence is limited at this time, the clinical significance of this alteration remains unclear.

NM_001365951.3(KIF1B):c.3569T>C (p.Val1190Ala)

Gene: KIF1B (kinesin family member 1B; plus strand). Cytogenetic location: 1p36.22.
Variant type: single nucleotide variant.
Coding change: c.3569T>C on transcript NM_001365951.3 (MANE Select); coding-DNA position 3569, T replaced by C.
Protein change: p.Val1190Ala; replaces valine 1190 with alanine.
Molecular consequence: missense variant.
Genome position (GRCh38, 1-based): chr1:10,342,105, T>C. VCF-style: chr1-10342105-T-C. GRCh37 (hg19) VCF-style: chr1-10402163-T-C.
Other names: c.3569T>C, p.Val1190Ala (NM_001365952.1); c.3431T>C, p.Val1144Ala (NM_015074.3); short protein forms V1190A, V1144A.
Identifiers: ClinVar variation 2497118 (VCV002497118.3), dbSNP rs2521752276, ClinGen allele CA338341734.
Genomic context (GRCh38, chr1:10,342,105, plus strand): 5'-TTTAGATTGCAGTGGAGATCACTGAATCATTTGTGGATTACATCAAAACCAAGCCTATTG[T>C]ATTTGAAGTCTTTGGGCATTATCAGCAGCACCCACTTCATCTGCAAGGACAGGAGCTTAA-3'
Protein context (NP_001352880.1, residues 1180-1200): FVDYIKTKPI[Val1190Ala]FEVFGHYQQH